The following is an entry in ClinVar:

NM_001048174.2(MUTYH):c.1227G>T (p.Arg409=)

Gene: MUTYH (mutY DNA glycosylase; minus strand). Cytogenetic location: 1p34.1.
Variant type: single nucleotide variant.
Coding change: c.1227G>T on transcript NM_001048174.2 (MANE Select); coding-DNA position 1227, G replaced by T.
Protein change: p.Arg409=; no amino-acid change (arginine 409 retained).
Molecular consequence: synonymous variant. On other transcripts: non-coding transcript variant (2).
Genome position (GRCh38, 1-based): chr1:45,331,432, C>A on the plus strand (G>T on the coding strand, the complement: MUTYH is on the minus strand). VCF-style: chr1-45331432-C-A. GRCh37 (hg19) VCF-style: chr1-45797104-C-A.
Other names: c.1227G>T, p.Arg409= (NM_001048171.2, NM_001048173.2, NM_001293195.2); c.1230G>T, p.Arg410= (NM_001048172.2); c.1311G>T, p.Arg437= (NM_001128425.2); c.1272G>T, p.Arg424= (NM_001293190.2); c.1260G>T, p.Arg420= (NM_001293191.2); c.951G>T, p.Arg317= (NM_001293192.2, NM_001293196.2); c.882G>T, p.Arg294= (NM_001350650.2, NM_001350651.2); c.1302G>T, p.Arg434= (NM_012222.3); and 1 more.
Identifiers: ClinVar variation 1084760 (VCV001084760.12), dbSNP rs199575659, ClinGen allele CA417702147.

ClinVar aggregate classification (germline): Likely benign. Review status: criteria provided, multiple submitters, no conflicts (2 of 4 stars). 4 submissions from 4 submitters: Likely benign (4). Last evaluated 2024-01-02.

Conditions:
Hereditary cancer-predisposing syndrome. Also called: Neoplastic Syndromes, Hereditary; Tumor predisposition; Hereditary Cancer Syndrome; Hereditary neoplastic syndrome. Identifiers: Orphanet 140162, MedGen C0027672, MeSH D009386, MONDO:0015356.
Familial adenomatous polyposis 2. Also called: FAP type 2; MUTYH Polyposis; COLORECTAL ADENOMATOUS POLYPOSIS, AUTOSOMAL RECESSIVE; ADENOMAS, MULTIPLE COLORECTAL, AUTOSOMAL RECESSIVE; MYH-associated polyposis; MUTYH-associated polyposis. Identifiers: Orphanet 220460, Orphanet 247798, MedGen C3272841, MONDO:0012041, OMIM 608456.

gnomAD v4.1: 1 of 1,614,250 alleles (0.000062%); highest among the groups gnomAD compares: South Asian, 0.0011%; no homozygotes.

Submissions (4):

Labcorp Genetics (formerly Invitae), Labcorp
Classification: Likely benign for Familial adenomatous polyposis 2. Last evaluated: 2024-01-02. Review status: criteria provided, single submitter. Criteria: Invitae Variant Classification Sherloc (09022015). Collection method: clinical testing. Allele origin: germline.

All of Us Research Program, National Institutes of Health
Classification: Likely benign for Familial adenomatous polyposis 2. Last evaluated: 2023-06-08. Review status: criteria provided, single submitter. Criteria: ACMG Guidelines, 2015. Collection method: clinical testing. Allele origin: germline. Inheritance: Autosomal recessive inheritance. Observed: 1 variant allele, 1 heterozygote.
Comment: This study involves interpretation of variants in research participants for the purpose of population health screening. Participant phenotype was not available at the time of variant classification. Additional details can be found in publication PMID: 35346344, PMCID: PMC8962531

Ambry Genetics
Classification: Likely benign for Hereditary cancer-predisposing syndrome. Last evaluated: 2023-02-14. Review status: criteria provided, single submitter. Criteria: Ambry Variant Classification Scheme 2023. Collection method: clinical testing. Allele origin: germline.

Color Diagnostics, LLC DBA Color Health
Classification: Likely benign for Hereditary cancer-predisposing syndrome. Last evaluated: 2022-08-11. Review status: criteria provided, single submitter. Criteria: ACMG Guidelines, 2015. Collection method: clinical testing. Allele origin: germline.